The following is an entry in ClinVar:

ClinVar aggregate classification (germline): Pathogenic/Likely pathogenic. Review status: criteria provided, multiple submitters, no conflicts (2 of 4 stars). 9 submissions from 9 submitters: Pathogenic (7); Likely pathogenic (1). 1 of the submissions does not count toward it. Last evaluated 2026-09-17.

Conditions:
Mitochondrial complex I deficiency. Also called: NADH:Q(1) OXIDOREDUCTASE DEFICIENCY. Identifiers: Orphanet 2609, MedGen C1838979, MeSH C537475, MONDO:0100133.
NUBPL-related disorder. Also called: NUBPL-related condition.
Inborn genetic diseases. Identifiers: MedGen C0950123, MeSH D030342.
Mitochondrial complex I deficiency, nuclear type 21. Also called: Mitochondrial complex 1 deficiency, nuclear type 21. Identifiers: MedGen C4748792, MONDO:0032625, OMIM 618242.

Allele frequency attached by ClinVar (database versions not stated): ESP Exome Variant Server 0.00008; gnomAD exomes 0.00015 and 0.00021; ExAC 0.00021; gnomAD 0.00005 and 0.00006; TOPMed 0.00006.
gnomAD v4.1: 316 of 1,612,040 alleles (0.02%); highest among the groups gnomAD compares: Non-Finnish European, 0.024%; no homozygotes.

Submissions (9):

GeneDx
Classification: Pathogenic. Last evaluated: 2026-09-17. Review status: criteria provided, single submitter. Criteria: GeneDx Variant Classification Process June 2021. Collection method: clinical testing. Allele origin: germline.
Comment: Published functional studies demonstrate a damaging effect, as expression of this variant in E. coli found that it is associated with reduced protein expression and reduced complex I activity and oxidoreductase activity (PMID: 29982452); In silico analysis supports that this missense variant has a deleterious effect on protein structure/function; This variant is associated with the following publications: (PMID: 25356970, 29982452, 30897263, 31917109, 32518176, 26633545, 36280881, 35620925, 34991945, 34827632, 31787496)

Labcorp Genetics (formerly Invitae), Labcorp
Classification: Pathogenic. Last evaluated: 2025-11-18. Review status: criteria provided, single submitter. Criteria: Invitae Variant Classification Sherloc (09022015). Collection method: clinical testing. Allele origin: germline.
Comment: This sequence change replaces leucine, which is neutral and non-polar, with proline, which is neutral and non-polar, at codon 104 of the NUBPL protein (p.Leu104Pro). This variant is present in population databases (rs201430951, gnomAD 0.04%). This missense change has been observed in individuals with clinical features of mitochondrial complex I deficiency (PMID: 25356970, 30897263, 31787496, 32518176). It has also been observed to segregate with disease in related individuals. ClinVar contains an entry for this variant (Variation ID: 209179). Invitae Evidence Modeling of protein sequence and biophysical properties (such as structural, functional, and spatial information, amino acid conservation, physicochemical variation, residue mobility, and thermodynamic stability) indicates that this missense variant is expected to disrupt NUBPL protein function with a positive predictive value of 80%. Experimental studies have shown that this missense change affects NUBPL function (PMID: 29982452). For these reasons, this variant has been classified as Pathogenic.

Blueprint Genetics
Classification: Pathogenic for NUBPL-related disorders. Last evaluated: 2024-08-28. Review status: criteria provided, single submitter. Criteria: ACMG Guidelines, 2015. Collection method: clinical testing. Allele origin: germline. Affected: yes. Observed: 5 variant alleles.

Mayo Clinic Laboratories, Mayo Clinic
Classification: Pathogenic. Last evaluated: 2023-09-13. Review status: criteria provided, single submitter. Criteria: ACMG Guidelines, 2015. Collection method: clinical testing. Allele origin: germline.
Comment: PP3, PM2_moderate, PM3_strong, PS3

Revvity Omics, Revvity
Classification: Pathogenic for Mitochondrial complex I deficiency, nuclear type 21. Last evaluated: 2021-06-14. Review status: criteria provided, single submitter. Criteria: ACMG Guidelines, 2015. Collection method: clinical testing. Allele origin: germline.

Zeviani Lab, University of Cambridge
Classification: Pathogenic for Mitochondrial complex I deficiency, nuclear type 21. Last evaluated: 2019-06-26. Review status: criteria provided, single submitter. Criteria: ACMG Guidelines, 2015. Collection method: research. Allele origin: maternal. Inheritance: Autosomal recessive inheritance. Affected: yes. Observed: 1 compound heterozygote.
Comment: Complex I deficiency. Found as compound heterozygous with c.726C>G (p.Phe242Leu).

Baylor Genetics
Classification: Likely pathogenic for Mitochondrial complex I deficiency. Last evaluated: 2013-08-27. Review status: criteria provided, single submitter. Criteria: Yang et al. 2013. Collection method: clinical testing. Allele origin: germline. Inheritance: Autosomal recessive inheritance. Affected: yes. Observed: 1 variant allele, 1 compound heterozygote. Study: Adult_WES.

Ambry Genetics
Classification: Pathogenic for Inborn genetic diseases. Last evaluated: 2013-01-30. Review status: criteria provided, single submitter. Criteria: Ambry Autosomal Dominant and X-Linked criteria (10/2015). Collection method: clinical testing. Allele origin: germline. Observed: 1 variant allele.

OMIM
Classification: Pathogenic for MITOCHONDRIAL COMPLEX I DEFICIENCY, NUCLEAR TYPE 21. Last evaluated: 2021-07-21. Review status: no assertion criteria provided. Collection method: literature only. Allele origin: germline. Not counted in ClinVar's aggregate classification.

Literature cited by the submitters: PubMed 25356970 (cited by Labcorp Genetics (formerly Invitae), Labcorp and Mayo Clinic Laboratories, Mayo Clinic); PubMed 30897263 (cited by Labcorp Genetics (formerly Invitae), Labcorp and Mayo Clinic Laboratories, Mayo Clinic); PubMed 31787496 (cited by Labcorp Genetics (formerly Invitae), Labcorp and Mayo Clinic Laboratories, Mayo Clinic); PubMed 32518176 (cited by 3 submitters); PubMed 29982452 (cited by Labcorp Genetics (formerly Invitae), Labcorp and Mayo Clinic Laboratories, Mayo Clinic); PubMed 31917109 (cited by Mayo Clinic Laboratories, Mayo Clinic); PubMed 31932725 (cited by Mayo Clinic Laboratories, Mayo Clinic); PubMed 34827632 (cited by Mayo Clinic Laboratories, Mayo Clinic); PubMed 34991945 (cited by Mayo Clinic Laboratories, Mayo Clinic); PubMed 35620925 (cited by Mayo Clinic Laboratories, Mayo Clinic); PubMed 36280881 (cited by Mayo Clinic Laboratories, Mayo Clinic); PubMed 26633545 (cited by Baylor Genetics).

NM_025152.3(NUBPL):c.311T>C (p.Leu104Pro)

Gene: NUBPL (NUBP iron-sulfur cluster assembly factor, mitochondrial; plus strand). Cytogenetic location: 14q12.
Variant type: single nucleotide variant.
Coding change: c.311T>C on transcript NM_025152.3 (MANE Select); coding-DNA position 311, T replaced by C.
Protein change: p.Leu104Pro; replaces leucine 104 with proline.
Molecular consequence: missense variant. On other transcripts: non-coding transcript variant (1).
Genome position (GRCh38, 1-based): chr14:31,599,308, T>C. VCF-style: chr14-31599308-T-C. GRCh37 (hg19) VCF-style: chr14-32068514-T-C.
Other names: p.Leu104Pro; c.23T>C, p.Leu8Pro (NM_001201573.2); short protein forms L104P, L8P.
Identifiers: ClinVar variation 209179 (VCV000209179.28), dbSNP rs201430951, ClinGen allele CA250383.